The following is an entry in ClinVar:

ClinVar aggregate classification (germline): Pathogenic (1 of 4 stars; one submission).

Submission:

Labcorp Genetics (formerly Invitae), Labcorp
Classification: Pathogenic. Last evaluated: 2020-05-20. Review status: criteria provided, single submitter. Criteria: Invitae Variant Classification Sherloc (09022015). Collection method: clinical testing. Allele origin: germline.
Comment: For these reasons, this variant has been classified as Pathogenic. Loss-of-function variants in EYS are known to be pathogenic (PMID: 18836446, 20333770). This variant has not been reported in the literature in individuals with EYS-related conditions. This variant is not present in population databases (ExAC no frequency). This sequence change creates a premature translational stop signal (p.Ile2025Asnfs*21) in the EYS gene. It is expected to result in an absent or disrupted protein product.

Literature cited by the submitters: PubMed 18836446; PubMed 20333770.

NM_001142800.2(EYS):c.6073dup (p.Ile2025fs)

Gene: EYS (EGF-like photoreceptor maintenance factor; minus strand). Cytogenetic location: 6q12.
Variant type: Duplication.
Coding change: c.6073dup on transcript NM_001142800.2 (MANE Select); coding-DNA position 6073, one base duplicated (A; older notation c.6073dupA).
Protein change: p.Ile2025fs; shifts the reading frame from isoleucine 2025.
Molecular consequence: frameshift variant.
Genome position (GRCh38, 1-based): chr6:64,388,695, T duplicated on the plus strand (A on the coding strand, the reverse complement: EYS is on the minus strand); the first of 4 consecutive T bases (chr6:64,388,695-64,388,698); duplicating any one gives the same sequence. VCF-style (leftmost placement, unchanged base first): chr6-64388694-A-AT. GRCh37 (hg19) VCF-style: chr6-65098587-A-AT.
Other names: c.6073dup, p.Ile2025fs (NM_001292009.2); short protein forms I2025fs.
Identifiers: ClinVar variation 1071465 (VCV001071465.7), dbSNP rs2150424894, ClinGen allele CA2499218448.